The following is an entry in ClinVar:

NM_032228.6(FAR1):c.14C>T (p.Pro5Leu)

Gene: FAR1 (fatty acyl-CoA reductase 1; plus strand). Cytogenetic location: 11p15.3.
Variant type: single nucleotide variant.
Coding change: c.14C>T on transcript NM_032228.6 (MANE Select); coding-DNA position 14, C replaced by T.
Protein change: p.Pro5Leu; replaces proline 5 with leucine.
Molecular consequence: missense variant.
Genome position (GRCh38, 1-based): chr11:13,694,779, C>T. VCF-style: chr11-13694779-C-T. GRCh37 (hg19) VCF-style: chr11-13716326-C-T.
Other names: short protein forms P5L.
Identifiers: ClinVar variation 3652637 (VCV003652637.2).
Genomic context (GRCh38, chr11:13,694,779, plus strand): 5'-GAATCCTTAAACTAATGCTTATTTGCCATGTTTTTCTTAGGATCAAAATGGTTTCAATCC[C>T]AGAATACTATGAAGGCAAGAACGTCCTCCTCACAGGAGCTACCGGTTTTCTAGGGAAGGT-3'
Protein context (NP_115604.1, residues 1-15): MVSI[Pro5Leu]EYYEGKNVLL

ClinVar aggregate classification (germline): Uncertain significance (1 of 4 stars; one submission).

Submission:

Labcorp Genetics (formerly Invitae), Labcorp
Classification: Uncertain significance. Last evaluated: 2024-05-08. Review status: criteria provided, single submitter. Criteria: Invitae Variant Classification Sherloc (09022015). Collection method: clinical testing. Allele origin: germline.
Comment: This sequence change replaces proline, which is neutral and non-polar, with leucine, which is neutral and non-polar, at codon 5 of the FAR1 protein (p.Pro5Leu). This variant is not present in population databases (gnomAD no frequency). This variant has not been reported in the literature in individuals affected with FAR1-related conditions. Advanced modeling of protein sequence and biophysical properties (such as structural, functional, and spatial information, amino acid conservation, physicochemical variation, residue mobility, and thermodynamic stability) performed at Invitae indicates that this missense variant is not expected to disrupt FAR1 protein function with a negative predictive value of 80%. In summary, the available evidence is currently insufficient to determine the role of this variant in disease. Therefore, it has been classified as a Variant of Uncertain Significance.